The following is an entry in ClinVar:

NM_025144.4(ALPK1):c.3565C>T (p.Leu1189Phe)

Gene: ALPK1 (alpha kinase 1; plus strand). Cytogenetic location: 4q25.
Variant type: single nucleotide variant.
Coding change: c.3565C>T on transcript NM_025144.4 (MANE Select); coding-DNA position 3565, C replaced by T.
Protein change: p.Leu1189Phe; replaces leucine 1189 with phenylalanine.
Molecular consequence: missense variant.
Genome position (GRCh38, 1-based): chr4:112,440,943, C>T. VCF-style: chr4-112440943-C-T. GRCh37 (hg19) VCF-style: chr4-113362099-C-T.
Other names: c.3565C>T, p.Leu1189Phe (NM_001102406.2); c.3331C>T, p.Leu1111Phe (NM_001253884.2); short protein forms L1111F, L1189F.
Identifiers: ClinVar variation 2805139 (VCV002805139.3), dbSNP rs780850104, ClinGen allele CA3047235.

ClinVar aggregate classification (germline): Uncertain significance (1 of 4 stars; one submission).

Allele frequency attached by ClinVar (database versions not stated): gnomAD exomes below 0.00001; ExAC 0.00001; TOPMed 0.00003; gnomAD 0.00005.
gnomAD v4.1: 11 of 1,613,026 alleles (0.00068%); highest among the groups gnomAD compares: African/African-American, 0.011%; no homozygotes.

Submission:

Labcorp Genetics (formerly Invitae), Labcorp
Classification: Uncertain significance. Last evaluated: 2023-07-12. Review status: criteria provided, single submitter. Criteria: Invitae Variant Classification Sherloc (09022015). Collection method: clinical testing. Allele origin: germline.
Comment: In summary, the available evidence is currently insufficient to determine the role of this variant in disease. Therefore, it has been classified as a Variant of Uncertain Significance. This variant has not been reported in the literature in individuals affected with ALPK1-related conditions. An algorithm developed to predict the effect of missense changes on protein structure and function (PolyPhen-2) suggests that this variant is likely to be disruptive. This variant is present in population databases (rs780850104, gnomAD 0.007%). This sequence change replaces leucine, which is neutral and non-polar, with phenylalanine, which is neutral and non-polar, at codon 1189 of the ALPK1 protein (p.Leu1189Phe).